The following is an entry in ClinVar:

ClinVar aggregate classification (germline): Likely benign. Review status: criteria provided, multiple submitters, no conflicts (2 of 4 stars). 4 submissions from 4 submitters: Likely benign (4). Last evaluated 2026-01-12.

Conditions:
Dilated cardiomyopathy 1J (CMD1J). Also called: CARDIOMYOPATHY, DILATED, WITH SENSORINEURAL HEARING LOSS, AUTOSOMAL DOMINANT. Identifiers: Orphanet 217622, MedGen C1854368, MONDO:0011541, OMIM 605362.
Cardiovascular phenotype. Identifiers: MedGen CN230736.

Allele frequency attached by ClinVar (database versions not stated): gnomAD exomes 0.00003; gnomAD 0.00034 and 0.00039; TOPMed 0.00037; ESP Exome Variant Server 0.00038.
gnomAD v4.1: 94 of 1,611,504 alleles (0.0058%); highest among the groups gnomAD compares: African/African-American, 0.11%; no homozygotes.

Submissions (4):

Labcorp Genetics (formerly Invitae), Labcorp
Classification: Likely benign for Dilated cardiomyopathy 1J. Last evaluated: 2026-01-12. Review status: criteria provided, single submitter. Criteria: Invitae Variant Classification Sherloc (09022015). Collection method: clinical testing. Allele origin: germline.

Blueprint Genetics
Classification: Likely benign. Last evaluated: 2022-10-05. Review status: criteria provided, single submitter. Criteria: ACMG Guidelines, 2015. Collection method: clinical testing. Allele origin: germline.

Ambry Genetics
Classification: Likely benign for Cardiovascular phenotype. Last evaluated: 2020-07-17. Review status: criteria provided, single submitter. Criteria: Ambry Variant Classification Scheme 2023. Collection method: clinical testing. Allele origin: germline.

GeneDx
Classification: Likely benign. Last evaluated: 2017-05-09. Review status: criteria provided, single submitter. Criteria: GeneDx Variant Classification (06012015). Collection method: clinical testing. Allele origin: germline. Affected: yes.
Comment: This variant is considered likely benign or benign based on one or more of the following criteria: it is a conservative change, it occurs at a poorly conserved position in the protein, it is predicted to be benign by multiple in silico algorithms, and/or has population frequency not consistent with disease.

NM_004100.5(EYA4):c.768A>G (p.Ser256=)

Gene: EYA4 (EYA transcriptional coactivator and phosphatase 4; plus strand). Cytogenetic location: 6q23.2.
Variant type: single nucleotide variant.
Coding change: c.768A>G on transcript NM_004100.5 (MANE Select); coding-DNA position 768, A replaced by G.
Protein change: p.Ser256=; no amino-acid change (serine 256 retained).
Molecular consequence: synonymous variant.
Genome position (GRCh38, 1-based): chr6:133,464,822, A>G. VCF-style: chr6-133464822-A-G. GRCh37 (hg19) VCF-style: chr6-133785960-A-G.
Other names: c.606A>G, p.Ser202= (NM_001301012.2, NM_001370459.1); c.768A>G, p.Ser256= (NM_001301013.2, NM_172105.4); c.699A>G, p.Ser233= (NM_001370458.1, NM_172103.4).
Identifiers: ClinVar variation 465989 (VCV000465989.14), dbSNP rs147135637, ClinGen allele CA4008144.
Genomic context (GRCh38, chr6:133,464,822, plus strand): 5'-TTGTTTTTTACCTCTAGGTTCTAGTTTTGCACCATCATCTACTATTTATGCAAATAATTC[A>G]GTTTCCAATTCAACGAATTTCAGTGGTTCACAACAGGTATAGTAGCTTTTTGTGTTTATG-3'
Protein context (NP_004091.3, residues 246-266): APSSTIYANN[Ser256=]VSNSTNFSGS